The following is an entry in ClinVar:

ClinVar aggregate classification (germline): Uncertain significance. Review status: criteria provided, multiple submitters, no conflicts (2 of 4 stars). 2 submissions from 2 submitters: Uncertain significance (2). Last evaluated 2022-11-07.

Conditions:
CFI-related disorder. Also called: CFI-related condition; CFI-related disorders. Identifiers: MedGen CN239325.

Allele frequency attached by ClinVar (database versions not stated): gnomAD exomes below 0.00001.

Submissions (2):

PreventionGenetics, part of Exact Sciences
Classification: Uncertain significance for CFI-related condition. Last evaluated: 2022-11-07. Review status: criteria provided, single submitter. Criteria: ACMG Guidelines, 2015. Collection method: clinical testing. Allele origin: germline.
Comment: The CFI c.457G>A variant is predicted to result in the amino acid substitution p.Ala153Thr. To our knowledge, this variant has not been reported in the literature or in a large population database, indicating this variant is rare. At this time, the clinical significance of this variant is uncertain due to the absence of conclusive functional and genetic evidence.

Labcorp Genetics (formerly Invitae), Labcorp
Classification: Uncertain significance. Last evaluated: 2022-01-13. Review status: criteria provided, single submitter. Criteria: Invitae Variant Classification Sherloc (09022015). Collection method: clinical testing. Allele origin: germline.
Comment: In summary, the available evidence is currently insufficient to determine the role of this variant in disease. Therefore, it has been classified as a Variant of Uncertain Significance. This sequence change replaces alanine, which is neutral and non-polar, with threonine, which is neutral and polar, at codon 153 of the CFI protein (p.Ala153Thr). This variant is not present in population databases (gnomAD no frequency). This variant has not been reported in the literature in individuals affected with CFI-related conditions. Advanced modeling of protein sequence and biophysical properties (such as structural, functional, and spatial information, amino acid conservation, physicochemical variation, residue mobility, and thermodynamic stability) performed at Invitae indicates that this missense variant is expected to disrupt CFI protein function.

NM_000204.5(CFI):c.457G>A (p.Ala153Thr)

Gene: CFI (complement factor I; minus strand). Cytogenetic location: 4q25.
Variant type: single nucleotide variant.
Coding change: c.457G>A on transcript NM_000204.5 (MANE Select); coding-DNA position 457, G replaced by A.
Protein change: p.Ala153Thr; replaces alanine 153 with threonine.
Molecular consequence: missense variant. On other transcripts: non-coding transcript variant (3), intron variant (1).
Genome position (GRCh38, 1-based): chr4:109,764,562, C>T on the plus strand (G>A on the coding strand, the complement: CFI is on the minus strand). VCF-style: chr4-109764562-C-T. GRCh37 (hg19) VCF-style: chr4-110685718-C-T.
Other names: c.457G>A (NM_000204.4); c.457G>A, p.Ala153Thr (NM_001318057.2, NM_001331035.2, NM_001375278.1 and 5 more transcripts); c.-127-2870G>A (NM_001375284.1); short protein forms A153T.
Identifiers: ClinVar variation 1979180 (VCV001979180.5), dbSNP rs2545449970, ClinGen allele CA357863779.